The following is an entry in ClinVar:

NC_000006.12:g.117675239G>A

Genes: NUS1 (NUS1 dehydrodolichyl diphosphate synthase subunit; plus strand), LOC101927919 (uncharacterized LOC101927919; minus strand). Cytogenetic location: 6q22.1.
Variant type: single nucleotide variant.
Molecular consequence: non-coding transcript variant (on NR_110854.1).
Genome position: GRCh38 VCF-style: chr6-117675239-G-A. GRCh37 (hg19) VCF-style: chr6-117996402-G-A.
Identifiers: ClinVar variation 1678724 (VCV001678724.2), dbSNP rs57604359, ClinGen allele CA146431300.
Genomic context (GRCh38, chr6:117,675,239, plus strand): 5'-GTTTCTGTCGGGGCCGTGAGAGGAGACAGTATAAGACTTCCTGGACCCAAGGGACGCCGG[G>A]TCCCCTGGAAGCGCCCATCGCATTGAAGACCACGTGTGCCTTGCTGGGGTCCCATTCAGA-3'

ClinVar aggregate classification (germline): Likely benign (1 of 4 stars; one submission).

Allele frequency attached by ClinVar (database versions not stated): gnomAD 0.01481 and 0.01573; TOPMed 0.01686; 1000 Genomes Project 0.01837; 1000 Genomes Project 30x 0.01952.

Submission:

GeneDx
Classification: Likely benign. Last evaluated: 2021-05-15. Review status: criteria provided, single submitter. Criteria: GeneDx Variant Classification Process June 2021. Collection method: clinical testing. Allele origin: germline. Affected: yes.
Comment: See Variant Classification Assertion Criteria.